The following is an entry in ClinVar:

NM_181332.3(NLGN4X):c.241C>T (p.Pro81Ser)

Gene: NLGN4X (neuroligin 4 X-linked; minus strand). Cytogenetic location: Xp22.31.
Variant type: single nucleotide variant.
Coding change: c.241C>T on transcript NM_181332.3 (MANE Select); coding-DNA position 241, C replaced by T.
Protein change: p.Pro81Ser; replaces proline 81 with serine.
Molecular consequence: missense variant.
Genome position (GRCh38, 1-based): chrX:6,151,226, G>A on the plus strand (C>T on the coding strand, the complement: NLGN4X is on the minus strand). VCF-style: chrX-6151226-G-A. GRCh37 (hg19) VCF-style: chrX-6069267-G-A.
Other names: c.241C>T, p.Pro81Ser (NM_001282145.2, NM_001282146.2, NM_001441322.1 and 4 more transcripts); short protein forms P81S.
Identifiers: ClinVar variation 4686401 (VCV004686401.1).
Genomic context (GRCh38, chrX:6,151,226, plus strand): 5'-GGATGCCAGTCCAGGAGGACGGGGGTTCTGGGGGCTGAAACCGCCTCTCTCCAGTGGGGG[G>A]TGAGGCATAGGGGACCCCTAAGTACTGCTCCACTGGACCCAAGATCTCATTGGGTAACGG-3'
Protein context (NP_851849.1, residues 71-91): EQYLGVPYAS[Pro81Ser]PTGERRFQPP

ClinVar aggregate classification (germline): Uncertain significance (1 of 4 stars; one submission).

gnomAD v4.1: 1 of 1,210,971 alleles (0.000083%); highest among the groups gnomAD compares: African/African-American, 0.0017%; no homozygotes.

Submission:

GeneDx
Classification: Uncertain significance. Last evaluated: 2025-07-15. Review status: criteria provided, single submitter. Criteria: GeneDx Variant Classification Process June 2021. Collection method: clinical testing. Allele origin: germline. Affected: yes.
Comment: Not observed at significant frequency in large population cohorts (gnomAD); In silico analysis supports that this missense variant has a deleterious effect on protein structure/function; Has not been previously published as pathogenic or benign to our knowledge